The following is an entry in ClinVar:

NM_001211.6(BUB1B):c.731G>T (p.Arg244Leu)

Gene: BUB1B (BUB1 mitotic checkpoint serine/threonine kinase B; plus strand). Cytogenetic location: 15q15.1.
Variant type: single nucleotide variant.
Coding change: c.731G>T on transcript NM_001211.6 (MANE Select); coding-DNA position 731, G replaced by T.
Protein change: p.Arg244Leu; replaces arginine 244 with leucine.
Molecular consequence: missense variant.
Genome position (GRCh38, 1-based): chr15:40,183,863, G>T. VCF-style: chr15-40183863-G-T. GRCh37 (hg19) VCF-style: chr15-40476064-G-T.
Other names: short protein forms R244L.
Identifiers: ClinVar variation 3667484 (VCV003667484.3).

ClinVar aggregate classification (germline): Uncertain significance. Review status: criteria provided, multiple submitters, no conflicts (2 of 4 stars). 2 submissions from 2 submitters: Uncertain significance (2). Last evaluated 2025-10-11.

Conditions:
Inborn genetic diseases. Identifiers: MedGen C0950123, MeSH D030342.
Mosaic variegated aneuploidy syndrome 1 (MVA1). Also called: Warburton-Anyane-Yeboa syndrome. Identifiers: Orphanet 1052, MedGen C1850343, MONDO:0009759, OMIM 257300.

Submissions (2):

Ambry Genetics
Classification: Uncertain significance for Inborn genetic diseases. Last evaluated: 2025-10-11. Review status: criteria provided, single submitter. Criteria: Ambry Variant Classification Scheme 2023. Collection method: clinical testing. Allele origin: germline.
Comment: The p.R244L variant (also known as c.731G>T), located in coding exon 6 of the BUB1B gene, results from a G to T substitution at nucleotide position 731. The arginine at codon 244 is replaced by leucine, an amino acid with dissimilar properties. This amino acid position is conserved. In addition, this alteration is predicted to be tolerated by in silico analysis. Based on the available evidence, the clinical significance of this variant remains unclear.

Labcorp Genetics (formerly Invitae), Labcorp
Classification: Uncertain significance for Mosaic variegated aneuploidy syndrome 1. Last evaluated: 2024-03-12. Review status: criteria provided, single submitter. Criteria: Invitae Variant Classification Sherloc (09022015). Collection method: clinical testing. Allele origin: germline.
Comment: This sequence change replaces arginine, which is basic and polar, with leucine, which is neutral and non-polar, at codon 244 of the BUB1B protein (p.Arg244Leu). This variant is not present in population databases (gnomAD no frequency). This variant has not been reported in the literature in individuals affected with BUB1B-related conditions. An algorithm developed to predict the effect of missense changes on protein structure and function (PolyPhen-2) suggests that this variant is likely to be disruptive. In summary, the available evidence is currently insufficient to determine the role of this variant in disease. Therefore, it has been classified as a Variant of Uncertain Significance.